The following is an entry in ClinVar:

ClinVar aggregate classification (germline): Uncertain significance (1 of 4 stars; one submission).

Conditions:
Epilepsy, progressive myoclonic, 1B. Also called: PME. Identifiers: Orphanet 308, MedGen C2676254, MONDO:0012904, OMIM 612437.

Allele frequency attached by ClinVar (database versions not stated): gnomAD exomes below 0.00001; TOPMed below 0.00001.
gnomAD v4.1: 3 of 1,614,052 alleles (0.00019%); highest among the groups gnomAD compares: Non-Finnish European, 0.00025%; no homozygotes.

Submission:

Labcorp Genetics (formerly Invitae), Labcorp
Classification: Uncertain significance for Epilepsy, progressive myoclonic, 1B. Last evaluated: 2020-03-10. Review status: criteria provided, single submitter. Criteria: Invitae Variant Classification Sherloc (09022015). Collection method: clinical testing. Allele origin: germline.
Comment: This sequence change replaces tyrosine with histidine at codon 414 of the PRICKLE1 protein (p.Tyr414His). The tyrosine residue is highly conserved and there is a moderate physicochemical difference between tyrosine and histidine. This variant is not present in population databases (ExAC no frequency). This variant has not been reported in the literature in individuals with PRICKLE1-related conditions. Algorithms developed to predict the effect of missense changes on protein structure and function are either unavailable or do not agree on the potential impact of this missense change (SIFT: "Deleterious"; PolyPhen-2: "Probably Damaging"; Align-GVGD: "Class C0"). In summary, the available evidence is currently insufficient to determine the role of this variant in disease. Therefore, it has been classified as a Variant of Uncertain Significance.

NM_153026.3(PRICKLE1):c.1240T>C (p.Tyr414His)

Genes: PRICKLE1 (prickle planar cell polarity protein 1; minus strand), LOC126861509 (BRD4-independent group 4 enhancer GRCh37_chr12:42858567-42859766; plus strand). Cytogenetic location: 12q12.
Variant type: single nucleotide variant.
Coding change: c.1240T>C on transcript NM_153026.3 (MANE Select); coding-DNA position 1240, T replaced by C.
Protein change: p.Tyr414His; replaces tyrosine 414 with histidine.
Molecular consequence: missense variant.
Genome position (GRCh38, 1-based): chr12:42,464,794, A>G on the plus strand (T>C on the coding strand, the complement: PRICKLE1 is on the minus strand). VCF-style: chr12-42464794-A-G. GRCh37 (hg19) VCF-style: chr12-42858596-A-G.
Other names: c.1240T>C, p.Tyr414His (NM_001144881.2, NM_001144882.2, NM_001144883.2); short protein forms Y414H.
Identifiers: ClinVar variation 1002582 (VCV001002582.9), dbSNP rs1938022245, ClinGen allele CA384442148.